The following is an entry in ClinVar:

ClinVar aggregate classification (germline): Pathogenic (1 of 4 stars; one submission).

Conditions:
Tuberous sclerosis 1 (TSC1). Identifiers: Orphanet 805, MedGen C1854465, MONDO:0008612, OMIM 191100.

Submission:

Oasi Research Institute-IRCCS
Classification: Pathogenic for Tuberous sclerosis 1. Review status: criteria provided, single submitter. Criteria: ACMG Guidelines, 2015. Collection method: research. Allele origin: de novo. Affected: yes.
Comment: The genomic variant c.2562del is a single nucleotide deletion.This variant creates a premature translational stop signal and is expected to result in a protein truncation or nonsense-mediated decay. ACMG criteria: PVS1 (LOF), PP4 (phenotype match), PM2 (absent from controls), PP3 (in silico evidence), PS2 (de novo)= Pathogenic. Based on the evidence outlined above, the variant was classified as Pathogenic.

NM_000368.5(TSC1):c.2562del (p.Glu857fs)

Gene: TSC1 (TSC complex subunit 1; minus strand). Cytogenetic location: 9q34.13.
Variant type: Deletion.
Coding change: c.2562del on transcript NM_000368.5 (MANE Select); coding-DNA position 2562, one base deleted (T; older notation c.2562delT).
Protein change: p.Glu857fs; shifts the reading frame from glutamic acid 857.
Molecular consequence: frameshift variant. On other transcripts: non-coding transcript variant (5).
Genome position (GRCh38, 1-based): chr9:132,900,778, A deleted on the plus strand (T on the coding strand, the reverse complement: TSC1 is on the minus strand); the first of 2 consecutive A bases (chr9:132,900,778-132,900,779); deleting either gives the same sequence. VCF-style (leftmost placement, unchanged base first): chr9-132900777-GA-G. GRCh37 (hg19) VCF-style: chr9-135776164-GA-G.
Other names: c.2199del, p.Glu736fs (NM_001406618.1, NM_001406619.1, NM_001362177.2 and 4 more transcripts); c.2196del, p.Glu735fs (NM_001406620.1, NM_001406621.1, NM_001406622.1 and 1 more transcripts); c.2157del, p.Glu722fs (NM_001406624.1); c.2154del, p.Glu721fs (NM_001406625.1); c.1611del, p.Glu540fs (NM_001406626.1); c.1608del, p.Glu539fs (NM_001406627.1, NM_001406628.1); c.1509del, p.Glu506fs (NM_001406629.1, NM_001406630.1); c.2559del, p.Glu856fs (NM_001162426.2, NM_001406597.1, NM_001406598.1 and 2 more transcripts); and 8 more; short protein forms E506fs, E539fs, E540fs, E721fs, E722fs, E735fs, E736fs, E791fs.
Identifiers: ClinVar variation 3777218 (VCV003777218.1).